The following is an entry in ClinVar:

ClinVar aggregate classification (germline): Likely benign. Review status: criteria provided, multiple submitters, no conflicts (2 of 4 stars). 4 submissions from 4 submitters: Likely benign (4). Last evaluated 2026-01-01.

Conditions:
Early-infantile DEE. Also called: Ohtahara syndrome; Early infantile epileptic encephalopathy with suppression bursts; Early infantile epileptic encephalopathy. Identifiers: Orphanet 1934, MedGen C0393706, MONDO:0800491.

Allele frequency attached by ClinVar (database versions not stated): gnomAD 0.00001 and 0.00002; gnomAD exomes 0.00001; ExAC 0.00002; TOPMed 0.00002; ESP Exome Variant Server 0.00015.
gnomAD v4.1: 18 of 1,612,266 alleles (0.0011%); highest among the groups gnomAD compares: Non-Finnish European, 0.0015%; no homozygotes.

Submissions (4):

CeGaT Center for Human Genetics Tuebingen
Classification: Likely benign. Last evaluated: 2026-01-01. Review status: criteria provided, single submitter. Criteria: CeGaT Center For Human Genetics Tuebingen Variant Classification Criteria Version 2. Collection method: clinical testing. Allele origin: germline. Affected: yes. Observed: 2 variant alleles.
Comment: SCN1A: BP4, BP7

Labcorp Genetics (formerly Invitae), Labcorp
Classification: Likely benign for Early-infantile DEE. Last evaluated: 2025-08-11. Review status: criteria provided, single submitter. Criteria: Invitae Variant Classification Sherloc (09022015). Collection method: clinical testing. Allele origin: germline.

Blueprint Genetics
Classification: Likely benign. Last evaluated: 2023-08-24. Review status: criteria provided, single submitter. Criteria: ACMG Guidelines, 2015. Collection method: clinical testing. Allele origin: germline.

GeneDx
Classification: Likely benign. Last evaluated: 2019-09-06. Review status: criteria provided, single submitter. Criteria: GeneDx Variant Classification Process June 2021. Collection method: clinical testing. Allele origin: germline. Affected: yes.

NM_001165963.4(SCN1A):c.3630G>A (p.Thr1210=)

Genes: SCN1A (sodium voltage-gated channel alpha subunit 1; minus strand), LOC102724058 (uncharacterized LOC102724058; plus strand). Cytogenetic location: 2q24.3.
Variant type: single nucleotide variant.
Coding change: c.3630G>A on transcript NM_001165963.4 (MANE Select); coding-DNA position 3630, G replaced by A.
Protein change: p.Thr1210=; no amino-acid change (threonine 1210 retained).
Molecular consequence: synonymous variant. On other transcripts: non-coding transcript variant (1).
Genome position (GRCh38, 1-based): chr2:166,013,819, C>T on the plus strand (G>A on the coding strand, the complement: SCN1A is on the minus strand). VCF-style: chr2-166013819-C-T. GRCh37 (hg19) VCF-style: chr2-166870329-C-T.
Other names: c.3546G>A, p.Thr1182= (NM_001165964.3, NM_001353957.2, NM_001353958.2); c.3630G>A, p.Thr1210= (NM_001202435.3, NM_001353948.2); c.3597G>A, p.Thr1199= (NM_001353949.2, NM_001353950.2, NM_001353951.2 and 2 more transcripts); c.3594G>A, p.Thr1198= (NM_001353954.2, NM_001353955.2); c.3543G>A, p.Thr1181= (NM_001353960.2); c.1188G>A, p.Thr396= (NM_001353961.2).
Identifiers: ClinVar variation 378514 (VCV000378514.35), dbSNP rs377326177, ClinGen allele CA1942909.
Genomic context (GRCh38, chr2:166,013,819, plus strand): 5'-AAGGAGAATCATGAAAACAATGAAGGTCTCAAACCAGTTATGTTCAACTATTCGGAAACA[C>T]GTCCTTCTCAGGTTCCACCATTGTTTTCCTCTGCCTTCTTCCACATTGATTTGACAACAC-3'
Protein context (NP_001159435.1, residues 1200-1220): RGKQWWNLRR[Thr1210=]CFRIVEHNWF